The following is an entry in ClinVar:

NM_000443.4(ABCB4):c.1758dup (p.Ile587fs)

Gene: ABCB4 (ATP binding cassette subfamily B member 4; minus strand). Cytogenetic location: 7q21.12.
Variant type: Duplication.
Coding change: c.1758dup on transcript NM_000443.4 (MANE Select); coding-DNA position 1758, one base duplicated (G; older notation c.1758dupG).
Protein change: p.Ile587fs; shifts the reading frame from isoleucine 587.
Molecular consequence: frameshift variant.
Genome position (GRCh38, 1-based): chr7:87,431,539, C duplicated on the plus strand (G on the coding strand, the reverse complement: ABCB4 is on the minus strand). VCF-style (leftmost placement, unchanged base first): chr7-87431538-T-TC. GRCh37 (hg19) VCF-style: chr7-87060854-T-TC.
Other names: c.1758dup, p.Ile587fs (NM_018849.3, NM_018850.3); short protein forms I587fs.
Identifiers: ClinVar variation 4846507 (VCV004846507.1).
Genomic context (GRCh38, chr7:87,431,538, plus strand): 5'-CTCCATCCTCAAACCCAGCGATGACATCTGCATTTCGGACCGTAGACAGTCGGTGTGCTA[T>TC]CACAATGGTGGTCCGGCCTTCTCTGGCCTAAAAGAACAAAAATGTGGTGCATCAGGGTTA-3'

ClinVar aggregate classification (germline): Pathogenic (1 of 4 stars; one submission).

Conditions:
Familial intrahepatic cholestasis. Identifiers: Orphanet 284385, MedGen CN296401, MONDO:0017290.

Submission:

Genomenon, Inc
Classification: Pathogenic for Familial intrahepatic cholestasis. Last evaluated: 2026-04-14. Review status: criteria provided, single submitter. Criteria: Genomenon Sequence Variant Interpretation Standards - Updated. Collection method: curation. Allele origin: germline. Affected: yes.
Comment: ABCB4 p.Ile587AspfsTer18 (c.1758dup) is a frameshift variant that results in the production of a truncated protein which is predicted to undergo nonsense-mediated mRNA decay. This variant has been observed in at least one proband with an ABCB4-related disorder (PMID:23022423). It is absent or not present at a significant frequency in gnomAD. In conclusion, we classify ABCB4 p.Ile587AspfsTer18 (c.1758dup) as a pathogenic variant.

Literature cited by the submitters: PubMed 23022423.